The following is an entry in ClinVar:

ClinVar aggregate classification (germline): Conflicting classifications of pathogenicity. Review status: criteria provided, conflicting classifications (1 of 4 stars). 4 submissions from 4 submitters: Uncertain significance (2); Benign (1); Likely benign (1). Last evaluated 2026-01-24.

Conditions:
Retinal dystrophy. Also called: Inherited retinal dystrophy. Identifiers: Orphanet 71862, MedGen C0854723, MeSH D058499, MONDO:0019118, HP:0000556.

Allele frequency attached by ClinVar (database versions not stated): gnomAD 0.00006; gnomAD exomes 0.00006 and 0.00016; 1000 Genomes Project 30x 0.00016; TOPMed 0.00016; 1000 Genomes Project 0.00020; ExAC 0.00029.
gnomAD v4.1: 91 of 1,583,160 alleles (0.0057%); highest among the groups gnomAD compares: East Asian, 0.2%; 1 homozygote.

Submissions (4):

Labcorp Genetics (formerly Invitae), Labcorp
Classification: Uncertain significance. Last evaluated: 2026-01-24. Review status: criteria provided, single submitter. Criteria: Invitae Variant Classification Sherloc (09022015). Collection method: clinical testing. Allele origin: germline.
Comment: This sequence change replaces glycine, which is neutral and non-polar, with glutamic acid, which is acidic and polar, at codon 369 of the FSCN2 protein (p.Gly369Glu). This variant is present in population databases (rs561020906, gnomAD 0.2%), and has an allele count higher than expected for a pathogenic variant. This variant has not been reported in the literature in individuals affected with FSCN2-related conditions. ClinVar contains an entry for this variant (Variation ID: 937653). An algorithm developed to predict the effect of missense changes on protein structure and function (PolyPhen-2) suggests that this variant is likely to be tolerated. In summary, the available evidence is currently insufficient to determine the role of this variant in disease. Therefore, it has been classified as a Variant of Uncertain Significance.

Ambry Genetics
Classification: Uncertain significance. Last evaluated: 2025-05-30. Review status: criteria provided, single submitter. Criteria: Ambry Variant Classification Scheme 2023. Collection method: clinical testing. Allele origin: germline.

Dept Of Ophthalmology, Nagoya University
Classification: Benign for Retinal dystrophy. Last evaluated: 2023-10-01. Review status: criteria provided, single submitter. Criteria: Submitter's publication. Collection method: research. Allele origin: germline. Affected: yes.

Blueprint Genetics
Classification: Likely benign. Last evaluated: 2022-06-14. Review status: criteria provided, single submitter. Criteria: ACMG Guidelines, 2015. Collection method: clinical testing. Allele origin: germline.

NM_012418.4(FSCN2):c.1106-72G>A

Gene: FSCN2 (fascin actin-bundling protein 2, retinal; plus strand). Cytogenetic location: 17q25.3.
Variant type: single nucleotide variant.
Coding change: c.1106-72G>A on transcript NM_012418.4 (MANE Select); 72 bases into the intron before coding-DNA position 1106, G replaced by A.
Molecular consequence: intron variant. On other transcripts: missense variant (1).
Genome position (GRCh38, 1-based): chr17:81,536,550, G>A. VCF-style: chr17-81536550-G-A. GRCh37 (hg19) VCF-style: chr17-79503576-G-A.
Other names: c.1106G>A, p.Gly369Glu (NM_001077182.3); short protein forms G369E.
Identifiers: ClinVar variation 937653 (VCV000937653.13), dbSNP rs561020906, ClinGen allele CA8836983.
Genomic context (GRCh38, chr17:81,536,550, plus strand): 5'-AGGCCGCACATGAGGCAATGGCAGGCCTGGGTCCCTAAGTCCAGGTGTGGCGTTTCCCAG[G>A]GCCCCCACCCCGCCCGGCCTGGACAGGGAAGGTGGCGGGAGGGGCAGCGCAGCAGACGCT-3'